The following is an entry in ClinVar:

ClinVar aggregate classification (germline): Benign. Review status: criteria provided, multiple submitters, no conflicts (2 of 4 stars). 2 submissions from 2 submitters: Benign (2). Last evaluated 2018-06-14.

Allele frequency attached by ClinVar (database versions not stated): TOPMed 0.17346; gnomAD 0.18031; 1000 Genomes Project 30x 0.22845; 1000 Genomes Project 0.23403.
gnomAD v4.1: 26,069 of 145,294 alleles (18%); highest among the groups gnomAD compares: East Asian, 36%; 2,387 homozygotes.

Submissions (2):

GeneDx
Classification: Benign. Last evaluated: 2018-06-14. Review status: criteria provided, single submitter. Criteria: GeneDx Variant Classification (06012015). Collection method: clinical testing. Allele origin: germline. Affected: yes.
Comment: This variant is considered likely benign or benign based on one or more of the following criteria: it is a conservative change, it occurs at a poorly conserved position in the protein, it is predicted to be benign by multiple in silico algorithms, and/or has population frequency not consistent with disease.

Breakthrough Genomics
Classification: Benign. Review status: criteria provided, single submitter. Criteria: ACMG Guidelines, 2015. Collection method: not provided. Allele origin: germline. Inheritance: Autosomal recessive inheritance. Affected: yes.

NM_005002.5(NDUFA9):c.552+161C>T

Gene: NDUFA9 (NADH:ubiquinone oxidoreductase subunit A9; plus strand). Cytogenetic location: 12p13.32.
Variant type: single nucleotide variant.
Coding change: c.552+161C>T on transcript NM_005002.5 (MANE Select); 161 bases into the intron after coding-DNA position 552, C replaced by T.
Molecular consequence: intron variant.
Genome position (GRCh38, 1-based): chr12:4,659,338, C>T. VCF-style: chr12-4659338-C-T. GRCh37 (hg19) VCF-style: chr12-4768504-C-T.
Identifiers: ClinVar variation 669510 (VCV000669510.2), dbSNP rs4147683, ClinGen allele CA15724272.